The following is an entry in ClinVar:

ClinVar aggregate classification (germline): Likely benign. Review status: criteria provided, multiple submitters, no conflicts (2 of 4 stars). 4 submissions from 4 submitters: Likely benign (4). Last evaluated 2026-05-06.

Conditions:
Doyne honeycomb retinal dystrophy (DHRD). Also called: MALATTIA LEVENTINESE; DRUSEN, RADIAL, AUTOSOMAL DOMINANT; DOYNE HONEYCOMB DEGENERATION OF RETINA. Identifiers: Orphanet 75376, MedGen C1832174, MONDO:0007471, OMIM 126600.
EFEMP1-related disorder. Also called: EFEMP1-related condition.

Allele frequency attached by ClinVar (database versions not stated): ExAC 0.00002; gnomAD exomes 0.00002 and 0.00003; TOPMed 0.00002; gnomAD 0.00004.
gnomAD v4.1: 41 of 1,605,732 alleles (0.0026%); highest among the groups gnomAD compares: Non-Finnish European, 0.0031%; no homozygotes.

Submissions (4):

PreventionGenetics, part of Exact Sciences
Classification: Likely benign for EFEMP1-related condition. Last evaluated: 2026-05-06. Review status: criteria provided, single submitter. Criteria: ACMG Guidelines, 2015. Collection method: clinical testing. Allele origin: germline.
Comment: This variant is classified as likely benign based on ACMG/AMP sequence variant interpretation guidelines (Richards et al. 2015 PMID: 25741868, with internal and published modifications).

Labcorp Genetics (formerly Invitae), Labcorp
Classification: Likely benign. Last evaluated: 2025-10-25. Review status: criteria provided, single submitter. Criteria: Invitae Variant Classification Sherloc (09022015). Collection method: clinical testing. Allele origin: germline.

Blueprint Genetics
Classification: Likely benign. Last evaluated: 2021-04-26. Review status: criteria provided, single submitter. Criteria: ACMG Guidelines, 2015. Collection method: clinical testing. Allele origin: germline.

Illumina Laboratory Services, Illumina
Classification: Likely benign for Doyne honeycomb retinal dystrophy. Last evaluated: 2018-01-12. Review status: criteria provided, single submitter. Criteria: ICSL Variant Classification Criteria 13 December 2019. Collection method: clinical testing. Allele origin: germline.
Comment: This variant was observed in the ICSL laboratory as part of a predisposition screen in an ostensibly healthy population. It had not been previously curated by ICSL or reported in the Human Gene Mutation Database (HGMD: prior to June 1st, 2018), and was therefore a candidate for classification through an automated scoring system. Utilizing variant allele frequency, disease prevalence and penetrance estimates, and inheritance mode, an automated score was calculated to assess if this variant is too frequent to cause the disease. Based on the score and internal cut-off values, a variant classified as likely benign is not then subjected to further curation. The score for this variant resulted in a classification of likely benign for this disease.

NM_001039348.3(EFEMP1):c.981G>A (p.Val327=)

Gene: EFEMP1 (EGF-like fibulin extracellular matrix protein 1; minus strand). Cytogenetic location: 2p16.1.
Variant type: single nucleotide variant.
Coding change: c.981G>A on transcript NM_001039348.3 (MANE Select); coding-DNA position 981, G replaced by A.
Protein change: p.Val327=; no amino-acid change (valine 327 retained).
Molecular consequence: synonymous variant.
Genome position (GRCh38, 1-based): chr2:55,874,965, C>T on the plus strand (G>A on the coding strand, the complement: EFEMP1 is on the minus strand). VCF-style: chr2-55874965-C-T. GRCh37 (hg19) VCF-style: chr2-56102100-C-T.
Other names: c.981G>A, p.Val327= (NM_001039349.3).
Identifiers: ClinVar variation 895243 (VCV000895243.14), dbSNP rs770999988, ClinGen allele CA1668784.